The following is an entry in ClinVar:

ClinVar aggregate classification (germline): Uncertain significance (1 of 4 stars; one submission).

Allele frequency attached by ClinVar (database versions not stated): TOPMed below 0.00001; gnomAD 0.00001.

Submission:

Labcorp Genetics (formerly Invitae), Labcorp
Classification: Uncertain significance. Last evaluated: 2024-08-06. Review status: criteria provided, single submitter. Criteria: Invitae Variant Classification Sherloc (09022015). Collection method: clinical testing. Allele origin: germline.
Comment: This sequence change replaces arginine, which is basic and polar, with histidine, which is basic and polar, at codon 159 of the NEFH protein (p.Arg159His). This variant is not present in population databases (gnomAD no frequency). This variant has not been reported in the literature in individuals affected with NEFH-related conditions. ClinVar contains an entry for this variant (Variation ID: 1919712). Advanced modeling of protein sequence and biophysical properties (such as structural, functional, and spatial information, amino acid conservation, physicochemical variation, residue mobility, and thermodynamic stability) performed at Invitae indicates that this missense variant is not expected to disrupt NEFH protein function with a negative predictive value of 95%. In summary, the available evidence is currently insufficient to determine the role of this variant in disease. Therefore, it has been classified as a Variant of Uncertain Significance.

NM_021076.4(NEFH):c.476G>A (p.Arg159His)

Gene: NEFH (neurofilament heavy chain; plus strand). Cytogenetic location: 22q12.2.
Variant type: single nucleotide variant.
Coding change: c.476G>A on transcript NM_021076.4 (MANE Select); coding-DNA position 476, G replaced by A.
Protein change: p.Arg159His; replaces arginine 159 with histidine.
Molecular consequence: missense variant.
Genome position (GRCh38, 1-based): chr22:29,480,738, G>A. VCF-style: chr22-29480738-G-A. GRCh37 (hg19) VCF-style: chr22-29876727-G-A.
Other names: short protein forms R159H.
Identifiers: ClinVar variation 1919712 (VCV001919712.5), dbSNP rs1413882817, ClinGen allele CA411122935.